The following is an entry in ClinVar:

ClinVar aggregate classification (germline): Uncertain significance. Review status: criteria provided, multiple submitters, no conflicts (2 of 4 stars). 3 submissions from 3 submitters: Uncertain significance (3). Last evaluated 2026-01-30.

Conditions:
Hereditary nonpolyposis colorectal neoplasms. Identifiers: MedGen C0009405, MeSH D003123.
Endometrial carcinoma. Also called: Endometrial carcinoma, somatic. Identifiers: MedGen C0476089, MONDO:0002447, OMIM 608089, HP:0012114.
Hereditary cancer-predisposing syndrome. Also called: Hereditary Cancer Syndrome; Neoplastic Syndromes, Hereditary; Tumor predisposition; Hereditary neoplastic syndrome. Identifiers: Orphanet 140162, MedGen C0027672, MeSH D009386, MONDO:0015356.

Allele frequency attached by ClinVar (database versions not stated): gnomAD exomes below 0.00001.
gnomAD v4.1: 1 of 1,614,108 alleles (0.000062%); highest among the groups gnomAD compares: Non-Finnish European, 0.000085%; no homozygotes.

Submissions (3):

Labcorp Genetics (formerly Invitae), Labcorp
Classification: Uncertain significance for Hereditary nonpolyposis colorectal neoplasms. Last evaluated: 2026-01-30. Review status: criteria provided, single submitter. Criteria: Invitae Variant Classification Sherloc (09022015). Collection method: clinical testing. Allele origin: germline.
Comment: This sequence change replaces lysine, which is basic and polar, with arginine, which is basic and polar, at codon 1240 of the MSH6 protein (p.Lys1240Arg). This variant is not present in population databases (gnomAD no frequency). This variant has not been reported in the literature in individuals affected with MSH6-related conditions. ClinVar contains an entry for this variant (Variation ID: 479868). Invitae Evidence Modeling of protein sequence and biophysical properties (such as structural, functional, and spatial information, amino acid conservation, physicochemical variation, residue mobility, and thermodynamic stability) indicates that this missense variant is not expected to disrupt MSH6 protein function with a negative predictive value of 95%. In summary, the available evidence is currently insufficient to determine the role of this variant in disease. Therefore, it has been classified as a Variant of Uncertain Significance.

Ambry Genetics
Classification: Uncertain significance for Hereditary cancer-predisposing syndrome. Last evaluated: 2025-04-10. Review status: criteria provided, single submitter. Criteria: Ambry Variant Classification Scheme 2023. Collection method: clinical testing. Allele origin: germline.
Comment: The p.K1240R variant (also known as c.3719A>G), located in coding exon 8 of the MSH6 gene, results from an A to G substitution at nucleotide position 3719. The lysine at codon 1240 is replaced by arginine, an amino acid with highly similar properties. This amino acid position is not well conserved in available vertebrate species. In addition, this alteration is predicted to be tolerated by in silico analysis. In addition, the CoDP in silico tool predicts this alteration to have minor impact on molecular function, with a score of 0.049 (Terui H et al. J. Biomed. Sci. 2013 Apr;20:25). Since supporting evidence is limited at this time, the clinical significance of this alteration remains unclear.

Baylor Genetics
Classification: Uncertain significance for Endometrial carcinoma. Last evaluated: 2023-09-25. Review status: criteria provided, single submitter. Criteria: ACMG Guidelines, 2015. Collection method: clinical testing. Allele origin: unknown.

NM_000179.3(MSH6):c.3719A>G (p.Lys1240Arg)

Gene: MSH6 (mutS homolog 6; plus strand). Cytogenetic location: 2p16.3.
Variant type: single nucleotide variant.
Coding change: c.3719A>G on transcript NM_000179.3 (MANE Select); coding-DNA position 3719, A replaced by G.
Protein change: p.Lys1240Arg; replaces lysine 1240 with arginine.
Molecular consequence: missense variant.
Genome position (GRCh38, 1-based): chr2:47,806,276, A>G. VCF-style: chr2-47806276-A-G. GRCh37 (hg19) VCF-style: chr2-48033415-A-G.
Other names: c.3329A>G, p.Lys1110Arg (NM_001281492.2); c.2813A>G, p.Lys938Arg (NM_001281493.2, NM_001281494.2); short protein forms K1240R, K1110R, K938R.
Identifiers: ClinVar variation 479868 (VCV000479868.16), dbSNP rs1553333057, ClinGen allele CA346761016.
Genomic context (GRCh38, chr2:47,806,276, plus strand): 5'-CAACATTTGATGGGACGGCAATAGCAAATGCAGTTGTTAAAGAACTTGCTGAGACTATAA[A>G]ATGTCGTACATTATTTTCAACTCACTACCATTCATTAGTAGAAGATTATTCTCAAAATGT-3'
Protein context (NP_000170.1, residues 1230-1250): AVVKELAETI[Lys1240Arg]CRTLFSTHYH